The following is an entry in ClinVar:

NM_012200.4(B3GAT3):c.909+270_909+271del

Gene: B3GAT3 (beta-1,3-glucuronyltransferase 3; minus strand). Cytogenetic location: 11q12.3.
Variant type: Microsatellite.
Coding change: c.909+270_909+271del on transcript NM_012200.4 (MANE Select); bases 270 to 271 of the intron after coding-DNA position 909, 2 bases deleted (AG; older notation c.909+270_909+271delAG).
Molecular consequence: intron variant. On other transcripts: frameshift variant (1).
Genome position (GRCh38, 1-based): chr11:62,616,235-62,616,236, CT deleted on the plus strand (AG on the coding strand, the reverse complement: B3GAT3 is on the minus strand); deleting any 2 consecutive bases within chr11:62,616,235-62,616,238 gives the same sequence; the c. name uses the placement nearest the transcript's 3' end. VCF-style (leftmost placement, unchanged base first): chr11-62616234-ACT-A. GRCh37 (hg19) VCF-style: chr11-62383706-ACT-A.
Other names: c.914_915del, p.Glu305fs (NM_001288723.2); c.888+270_888+271del (NM_001288721.2); short protein forms E305fs.
Identifiers: ClinVar variation 1174878 (VCV001174878.10), dbSNP rs549953964, ClinGen allele CA6049955.

ClinVar aggregate classification (germline): Likely benign. Review status: criteria provided, single submitter (1 of 4 stars). 3 submissions from 3 submitters: Likely benign (1). 2 of the submissions do not count toward it. Last evaluated 2026-09-01.

Submissions (3):

CeGaT Center for Human Genetics Tuebingen
Classification: Likely benign. Last evaluated: 2026-09-01. Review status: criteria provided, single submitter. Criteria: CeGaT Center For Human Genetics Tuebingen Variant Classification Criteria Version 2. Collection method: clinical testing. Allele origin: germline. Affected: yes. Observed: 4 variant alleles.
Comment: B3GAT3: BS2

Clinical Genetics DNA and cytogenetics Diagnostics Lab, Erasmus MC, Erasmus Medical Center
Classification: Benign. Review status: no assertion criteria provided. Collection method: clinical testing. Allele origin: germline. Affected: yes. Study: VKGL Data-share Consensus. Not counted in ClinVar's aggregate classification.

Diagnostic Laboratory, Department of Genetics, University Medical Center Groningen
Classification: Likely benign. Review status: no assertion criteria provided. Collection method: clinical testing. Allele origin: germline. Affected: yes. Study: VKGL Data-share Consensus. Not counted in ClinVar's aggregate classification.